The following is an entry in ClinVar:

ClinVar aggregate classification (germline): Uncertain significance (1 of 4 stars; one submission).

Submission:

Ambry Genetics
Classification: Uncertain significance. Last evaluated: 2025-10-14. Review status: criteria provided, single submitter. Criteria: Ambry Variant Classification Scheme 2023. Collection method: clinical testing. Allele origin: germline.
Comment: The p.A110V variant (also known as c.329C>T), located in coding exon 1 of the WNK2 gene, results from a C to T substitution at nucleotide position 329. The alanine at codon 110 is replaced by valine, an amino acid with similar properties. This amino acid position is conserved. In addition, this alteration is predicted to be tolerated by in silico analysis. Based on the available evidence, the clinical significance of this variant remains unclear.

NM_006648.4(WNK2):c.329C>T (p.Ala110Val)

Gene: WNK2 (WNK lysine deficient protein kinase 2; plus strand). Cytogenetic location: 9q22.31.
Variant type: single nucleotide variant.
Coding change: c.329C>T on transcript NM_006648.4 (MANE Select); coding-DNA position 329, C replaced by T.
Protein change: p.Ala110Val; replaces alanine 110 with valine.
Molecular consequence: missense variant.
Genome position (GRCh38, 1-based): chr9:93,185,258, C>T. VCF-style: chr9-93185258-C-T. GRCh37 (hg19) VCF-style: chr9-95947540-C-T.
Other names: c.329C>T, p.Ala110Val (NM_001282394.3); short protein forms A110V.
Identifiers: ClinVar variation 4605257 (VCV004605257.1).
Genomic context (GRCh38, chr9:93,185,258, plus strand): 5'-GCGGACGCCCCGCCGCCCCCGCGCCCGCAGCGCTGGTAGCGCAGCCGGGAGCCCCCGGAG[C>T]CCCCGCGGACGCCGGCCCCGAGCCCGTGGGCACGCAGGAGCCCGGCCCGGACCCCATCGC-3'
Protein context (NP_006639.3, residues 100-120): ALVAQPGAPG[Ala110Val]PADAGPEPVG